The following is an entry in ClinVar:

NM_000535.7(PMS2):c.1430C>T (p.Ser477Phe)

Gene: PMS2 (PMS1 homolog 2, mismatch repair system component; minus strand). Cytogenetic location: 7p22.1.
Variant type: single nucleotide variant.
Coding change: c.1430C>T on transcript NM_000535.7 (MANE Select); coding-DNA position 1430, C replaced by T.
Protein change: p.Ser477Phe; replaces serine 477 with phenylalanine.
Molecular consequence: missense variant. On other transcripts: non-coding transcript variant (1).
Genome position (GRCh38, 1-based): chr7:5,987,335, G>A on the plus strand (C>T on the coding strand, the complement: PMS2 is on the minus strand). VCF-style: chr7-5987335-G-A. GRCh37 (hg19) VCF-style: chr7-6026966-G-A.
Other names: c.1025C>T, p.Ser342Phe (NM_001018040.1, NM_001322003.2, NM_001322004.2 and 17 more transcripts); c.1274C>T, p.Ser425Phe (NM_001322006.2, NM_001406870.1); c.1112C>T, p.Ser371Phe (NM_001322007.2, NM_001322008.2, NM_001406876.1 and 2 more transcripts); c.869C>T, p.Ser290Phe (NM_001322010.2, NM_001406906.1, NM_001406907.1); c.497C>T, p.Ser166Phe (NM_001322011.2, NM_001322012.2); c.857C>T, p.Ser286Phe (NM_001322013.2, NM_001406909.1); c.1430C>T, p.Ser477Phe (NM_001322014.2, NM_001406871.1, NM_001406872.1); c.1121C>T, p.Ser374Phe (NM_001322015.2, NM_001406875.1, NM_001406877.1 and 5 more transcripts); and 12 more; short protein forms S220F, S342F, S425F, S441F, S477F, S365F, S369F, S374F.
Identifiers: ClinVar variation 1772494 (VCV001772494.7), dbSNP rs876661291, ClinGen allele CA366742010.
Genomic context (GRCh38, chr7:5,987,335, plus strand): 5'-CCGTGCCCCGAGTCCTTCTCCACCTCCGCTCTGTCCGTAGGGTCACTGGGTCCGTGACTG[G>A]AACTCACTGCCTCTTTCTGAGGTCTCAGGACGCCTTTGTCAGAGATGGCACCTGAAGTGC-3'
Protein context (NP_000526.2, residues 467-487): VLRPQKEAVS[Ser477Phe]SHGPSDPTDR

ClinVar aggregate classification (germline): Conflicting classifications of pathogenicity. Review status: criteria provided, conflicting classifications (1 of 4 stars). 2 submissions from 2 submitters: Uncertain significance (1); Likely benign (1). Last evaluated 2025-10-31.

Conditions:
Hereditary nonpolyposis colorectal neoplasms. Identifiers: MedGen C0009405, MeSH D003123.
Hereditary cancer-predisposing syndrome. Also called: Hereditary Cancer Syndrome; Hereditary neoplastic syndrome; Neoplastic Syndromes, Hereditary; Tumor predisposition. Identifiers: Orphanet 140162, MedGen C0027672, MeSH D009386, MONDO:0015356.

Submissions (2):

Ambry Genetics
Classification: Likely benign for Hereditary cancer-predisposing syndrome. Last evaluated: 2025-10-31. Review status: criteria provided, single submitter. Criteria: Ambry Variant Classification Scheme 2023. Collection method: clinical testing. Allele origin: germline.

Labcorp Genetics (formerly Invitae), Labcorp
Classification: Uncertain significance for Hereditary nonpolyposis colorectal neoplasms. Last evaluated: 2022-03-23. Review status: criteria provided, single submitter. Criteria: Invitae Variant Classification Sherloc (09022015). Collection method: clinical testing. Allele origin: germline.
Comment: This sequence change replaces serine, which is neutral and polar, with phenylalanine, which is neutral and non-polar, at codon 477 of the PMS2 protein (p.Ser477Phe). This variant is not present in population databases (gnomAD no frequency). This variant has not been reported in the literature in individuals affected with PMS2-related conditions. Advanced modeling of protein sequence and biophysical properties (such as structural, functional, and spatial information, amino acid conservation, physicochemical variation, residue mobility, and thermodynamic stability) performed at Invitae indicates that this missense variant is not expected to disrupt PMS2 protein function. In summary, the available evidence is currently insufficient to determine the role of this variant in disease. Therefore, it has been classified as a Variant of Uncertain Significance.

Literature cited by the submitters: PubMed 22290698 (cited by Ambry Genetics).